The following is an entry in ClinVar:

ClinVar aggregate classification (germline): Benign (0 of 4 stars; one submission).

Conditions:
ABR-related disorder. Also called: ABR-related condition.

Allele frequency attached by ClinVar (database versions not stated): gnomAD 0.01109; 1000 Genomes Project 0.01118; 1000 Genomes Project 30x 0.01156; TOPMed 0.01320.

Submission:

PreventionGenetics, part of Exact Sciences
Classification: Benign for ABR-related condition. Last evaluated: 2020-09-09. Review status: no assertion criteria provided. Collection method: clinical testing. Allele origin: germline.
Comment: This variant is classified as benign based on ACMG/AMP sequence variant interpretation guidelines (Richards et al. 2015 PMID: 25741868, with internal and published modifications).

NM_001322842.2(ABR):c.989A>G (p.Ter330Trp)

Gene: ABR (ABR activator of RhoGEF and GTPase; minus strand). Cytogenetic location: 17p13.3.
Variant type: single nucleotide variant.
Coding change: c.989A>G on transcript NM_001322842.2; coding-DNA position 989, A replaced by G.
Protein change: p.Ter330Trp.
Molecular consequence: stop lost. On other transcripts: intron variant (1).
Genome position (GRCh38, 1-based): chr17:1,228,148, T>C on the plus strand (A>G on the coding strand, the complement: ABR is on the minus strand). VCF-style: chr17-1228148-T-C. GRCh37 (hg19) VCF-style: chr17-1131442-T-C.
Other names: c.838+645A>G (NM_001322841.2).
Identifiers: ClinVar variation 3038651 (VCV003038651.2), dbSNP rs76552953, ClinGen allele CA286757299.